The following is an entry in ClinVar:

ClinVar aggregate classification (germline): Uncertain significance. Review status: criteria provided, multiple submitters, no conflicts (2 of 4 stars). 2 submissions from 2 submitters: Uncertain significance (2). Last evaluated 2025-12-16.

Conditions:
Severe combined immunodeficiency due to DNA-PKcs deficiency. Also called: Immunodeficiency 26 with or without neurologic abnormalities; IMMUNODEFICIENCY 26 WITH NEUROLOGIC ABNORMALITIES. Identifiers: Orphanet 317425, MedGen C4014833, MONDO:0014423, OMIM 615966.

Allele frequency attached by ClinVar (database versions not stated): gnomAD 0.00001 and 0.00002; gnomAD exomes 0.00001; TOPMed 0.00004.
gnomAD v4.1: 15 of 1,599,878 alleles (0.00094%); highest among the groups gnomAD compares: South Asian, 0.0023%; no homozygotes.

Submissions (2):

Ambry Genetics
Classification: Uncertain significance. Last evaluated: 2025-12-16. Review status: criteria provided, single submitter. Criteria: Ambry Variant Classification Scheme 2023. Collection method: clinical testing. Allele origin: germline.

Labcorp Genetics (formerly Invitae), Labcorp
Classification: Uncertain significance for Severe combined immunodeficiency due to DNA-PKcs deficiency. Last evaluated: 2022-07-26. Review status: criteria provided, single submitter. Criteria: Invitae Variant Classification Sherloc (09022015). Collection method: clinical testing. Allele origin: germline.
Comment: This sequence change replaces arginine, which is basic and polar, with glutamine, which is neutral and polar, at codon 891 of the PRKDC protein (p.Arg891Gln). This variant is present in population databases (no rsID available, gnomAD 0.004%). This variant has not been reported in the literature in individuals affected with PRKDC-related conditions. ClinVar contains an entry for this variant (Variation ID: 1417179). Experimental studies and prediction algorithms are not available or were not evaluated, and the functional significance of this variant is currently unknown. In summary, the available evidence is currently insufficient to determine the role of this variant in disease. Therefore, it has been classified as a Variant of Uncertain Significance.

NM_006904.7(PRKDC):c.2672G>A (p.Arg891Gln)

Gene: PRKDC (protein kinase, DNA-activated, catalytic subunit; minus strand). Cytogenetic location: 8q11.21.
Variant type: single nucleotide variant.
Coding change: c.2672G>A on transcript NM_006904.7 (MANE Select); coding-DNA position 2672, G replaced by A.
Protein change: p.Arg891Gln; replaces arginine 891 with glutamine.
Molecular consequence: missense variant.
Genome position (GRCh38, 1-based): chr8:47,914,010, C>T on the plus strand (G>A on the coding strand, the complement: PRKDC is on the minus strand). VCF-style: chr8-47914010-C-T. GRCh37 (hg19) VCF-style: chr8-48826570-C-T.
Other names: c.2672G>A, p.Arg891Gln (NM_001081640.2); short protein forms R891Q.
Identifiers: ClinVar variation 1417179 (VCV001417179.6), dbSNP rs967514465, ClinGen allele CA176160233.